The following is an entry in ClinVar:

ClinVar aggregate classification (germline): Uncertain significance (1 of 4 stars; one submission).

Conditions:
Postaxial polydactyly-anterior pituitary anomalies-facial dysmorphism syndrome. Also called: Culler-Jones syndrome. Identifiers: Orphanet 420584, MedGen C4014479, MONDO:0014369, OMIM 615849.
Holoprosencephaly 9 (HPE9). Also called: HOLOPROSENCEPHALY WITH MICROPHTHALMIA AND FIRST BRANCHIAL ARCH ANOMALIES; PITUITARY ANOMALIES WITH HOLOPROSENCEPHALY-LIKE FEATURES. Identifiers: Orphanet 2162, MedGen C1835819, MONDO:0012563, OMIM 610829.

Submission:

Centre of Medical Genetics, University Hospital Muenster
Classification: Uncertain significance for Holoprosencephaly 9; Postaxial polydactyly-anterior pituitary anomalies-facial dysmorphism syndrome. Last evaluated: 2022-02-09. Review status: criteria provided, single submitter. Criteria: ACMG Guidelines, 2015. Collection method: clinical testing. Allele origin: germline. Affected: yes. Observed: 1 variant allele, 1 heterozygote.
Comment: ACMG categories: PM2,PP3

NM_001374353.1(GLI2):c.1571A>T (p.Asn524Ile)

Gene: GLI2 (GLI family zinc finger 2; plus strand). Cytogenetic location: 2q14.2.
Variant type: single nucleotide variant.
Coding change: c.1571A>T on transcript NM_001374353.1 (MANE Select); coding-DNA position 1571, A replaced by T.
Protein change: p.Asn524Ile; replaces asparagine 524 with isoleucine.
Molecular consequence: missense variant.
Genome position (GRCh38, 1-based): chr2:120,982,819, A>T. VCF-style: chr2-120982819-A-T. GRCh37 (hg19) VCF-style: chr2-121740395-A-T.
Other names: c.1622A>T, p.Asn541Ile (NM_001371271.1, NM_005270.5); c.1196A>T, p.Asn399Ile (NM_001374354.1); short protein forms N399I, N524I, N541I.
Identifiers: ClinVar variation 1675181 (VCV001675181.2), dbSNP rs2105064513, ClinGen allele CA348162366.
Genomic context (GRCh38, chr2:120,982,819, plus strand): 5'-AGACACACCTGCGGTCCCACACCGGGGAGAAGCCATATGTGTGTGAGCACGAGGGCTGCA[A>T]CAAAGCCTTCTCCAACGCCTCGGACCGCGCCAAGCACCAGAATCGCACCCACTCCAACGA-3'
Protein context (NP_001361282.1, residues 514-534): KPYVCEHEGC[Asn524Ile]KAFSNASDRA